The following is an entry in ClinVar:

ClinVar aggregate classification (germline): Uncertain significance. Review status: criteria provided, multiple submitters, no conflicts (2 of 4 stars). 2 submissions from 2 submitters: Uncertain significance (2). Last evaluated 2024-02-06.

Conditions:
Hereditary cancer-predisposing syndrome. Also called: Neoplastic Syndromes, Hereditary; Tumor predisposition; Hereditary Cancer Syndrome; Hereditary neoplastic syndrome. Identifiers: Orphanet 140162, MedGen C0027672, MeSH D009386, MONDO:0015356.
Renal cell carcinoma. Identifiers: Orphanet 217071, MedGen C0007134, MeSH D002292, MONDO:0005086, HP:0005584.

Submissions (2):

Labcorp Genetics (formerly Invitae), Labcorp
Classification: Uncertain significance for Renal cell carcinoma. Last evaluated: 2024-02-06. Review status: criteria provided, single submitter. Criteria: Invitae Variant Classification Sherloc (09022015). Collection method: clinical testing. Allele origin: germline.
Comment: This sequence change replaces glutamic acid, which is acidic and polar, with glutamine, which is neutral and polar, at codon 732 of the MET protein (p.Glu732Gln). This variant is not present in population databases (gnomAD no frequency). This variant has not been reported in the literature in individuals affected with MET-related conditions. ClinVar contains an entry for this variant (Variation ID: 1787469). Advanced modeling of protein sequence and biophysical properties (such as structural, functional, and spatial information, amino acid conservation, physicochemical variation, residue mobility, and thermodynamic stability) performed at Invitae indicates that this missense variant is not expected to disrupt MET protein function with a negative predictive value of 80%. In summary, the available evidence is currently insufficient to determine the role of this variant in disease. Therefore, it has been classified as a Variant of Uncertain Significance.

Ambry Genetics
Classification: Uncertain significance for Hereditary cancer-predisposing syndrome. Last evaluated: 2022-09-04. Review status: criteria provided, single submitter. Criteria: Ambry Variant Classification Scheme 2023. Collection method: clinical testing. Allele origin: germline.
Comment: The p.E732Q variant (also known as c.2194G>C), located in coding exon 8 of the MET gene, results from a G to C substitution at nucleotide position 2194. The glutamic acid at codon 732 is replaced by glutamine, an amino acid with highly similar properties. This amino acid position is conserved. In addition, this alteration is predicted to be tolerated by in silico analysis. Since supporting evidence is limited at this time, the clinical significance of this alteration remains unclear.

NM_000245.4(MET):c.2194G>C (p.Glu732Gln)

Gene: MET (MET proto-oncogene, receptor tyrosine kinase; plus strand). Cytogenetic location: 7q31.2.
Variant type: single nucleotide variant.
Coding change: c.2194G>C on transcript NM_000245.4 (MANE Select); coding-DNA position 2194, G replaced by C.
Protein change: p.Glu732Gln; replaces glutamic acid 732 with glutamine.
Molecular consequence: missense variant.
Genome position (GRCh38, 1-based): chr7:116,758,550, G>C. VCF-style: chr7-116758550-G-C. GRCh37 (hg19) VCF-style: chr7-116398604-G-C.
Other names: c.2194G>C, p.Glu732Gln (NM_001127500.3, NM_001324401.3); c.904G>C, p.Glu302Gln (NM_001324402.2); short protein forms E302Q, E732Q.
Identifiers: ClinVar variation 1787469 (VCV001787469.4), dbSNP rs2116931656, ClinGen allele CA368980684.
Genomic context (GRCh38, chr7:116,758,550, plus strand): 5'-CCAGCCCAAACCATTTCAACTGAGTTTGCTGTTAAATTGAAAATTGACTTAGCCAACCGA[G>C]AGACAAGCATCTTCAGTTACCGTGAAGATCCCATTGTCTATGAAATTCATCCAACCAAAT-3'
Protein context (NP_000236.2, residues 722-742): VKLKIDLANR[Glu732Gln]TSIFSYREDP